The following is an entry in ClinVar:

NM_001497.4(B4GALT1):c.1050A>G (p.Glu350=)

Gene: B4GALT1 (beta-1,4-galactosyltransferase 1; minus strand). Cytogenetic location: 9p21.1.
Variant type: single nucleotide variant.
Coding change: c.1050A>G on transcript NM_001497.4 (MANE Select); coding-DNA position 1050, A replaced by G.
Protein change: p.Glu350=; no amino-acid change (glutamic acid 350 retained).
Molecular consequence: synonymous variant. On other transcripts: intron variant (1).
Genome position (GRCh38, 1-based): chr9:33,113,788, T>C on the plus strand (A>G on the coding strand, the complement: B4GALT1 is on the minus strand). VCF-style: chr9-33113788-T-C. GRCh37 (hg19) VCF-style: chr9-33113786-T-C.
Other names: c.1011A>G, p.Glu337= (NM_001378495.1); c.927A>G, p.Glu309= (NM_001378496.1); c.649-9007A>G (NM_001378497.1).
Identifiers: ClinVar variation 366655 (VCV000366655.35), dbSNP rs147070468, ClinGen allele CA5023619.

ClinVar aggregate classification (germline): Benign/Likely benign. Review status: criteria provided, multiple submitters, no conflicts (2 of 4 stars). 5 submissions from 5 submitters: Benign (2); Likely benign (3). Last evaluated 2025-11-17.

Conditions:
B4GALT1-congenital disorder of glycosylation. Also called: CONGENITAL DISORDER OF GLYCOSYLATION, TYPE IId; B4GALT1-CDG; CDG IId. Identifiers: Orphanet 79332, MedGen C2931009, MONDO:0011772, OMIM 607091.

Allele frequency attached by ClinVar (database versions not stated): gnomAD 0.00134 and 0.00157; TOPMed 0.00148; ESP Exome Variant Server 0.00208; 1000 Genomes Project 30x 0.00219; gnomAD exomes 0.00256 and 0.00273; 1000 Genomes Project 0.00260; ExAC 0.00280.
gnomAD v4.1: 4,250 of 1,614,136 alleles (0.26%); highest among the groups gnomAD compares: South Asian, 0.86%; 18 homozygotes.

Submissions (5):

Labcorp Genetics (formerly Invitae), Labcorp
Classification: Benign. Last evaluated: 2025-11-17. Review status: criteria provided, single submitter. Criteria: Invitae Variant Classification Sherloc (09022015). Collection method: clinical testing. Allele origin: germline.

CeGaT Center for Human Genetics Tuebingen
Classification: Likely benign. Last evaluated: 2025-05-01. Review status: criteria provided, single submitter. Criteria: CeGaT Center For Human Genetics Tuebingen Variant Classification Criteria Version 2. Collection method: clinical testing. Allele origin: germline. Affected: yes. Observed: 3 variant alleles.
Comment: B4GALT1: BP4, BP7, BS2

Blueprint Genetics
Classification: Likely benign. Last evaluated: 2024-11-25. Review status: criteria provided, single submitter. Criteria: ACMG Guidelines, 2015. Collection method: clinical testing. Allele origin: germline.

Fulgent Genetics
Classification: Likely benign for B4GALT1-congenital disorder of glycosylation. Last evaluated: 2022-04-29. Review status: criteria provided, single submitter. Criteria: ACMG Guidelines, 2015. Collection method: clinical testing. Allele origin: unknown.

GeneDx
Classification: Benign. Last evaluated: 2016-01-29. Review status: criteria provided, single submitter. Criteria: GeneDx Variant Classification (06012015). Collection method: clinical testing. Allele origin: germline. Affected: yes.
Comment: This variant is considered likely benign or benign based on one or more of the following criteria: it is a conservative change, it occurs at a poorly conserved position in the protein, it is predicted to be benign by multiple in silico algorithms, and/or has population frequency not consistent with disease.